The following is an entry in ClinVar:

NM_000387.6(SLC25A20):c.110G>C (p.Arg37Pro)

Gene: SLC25A20 (solute carrier family 25 member 20; minus strand). Cytogenetic location: 3p21.31.
Variant type: single nucleotide variant.
Coding change: c.110G>C on transcript NM_000387.6 (MANE Select); coding-DNA position 110, G replaced by C.
Protein change: p.Arg37Pro; replaces arginine 37 with proline.
Molecular consequence: missense variant.
Genome position (GRCh38, 1-based): chr3:48,892,068, C>G on the plus strand (G>C on the coding strand, the complement: SLC25A20 is on the minus strand). VCF-style: chr3-48892068-C-G. GRCh37 (hg19) VCF-style: chr3-48929501-C-G.
Other names: short protein forms R37P.
Identifiers: ClinVar variation 3339009 (VCV003339009.1).

ClinVar aggregate classification (germline): Uncertain significance (1 of 4 stars; one submission).

Submission:

Women's Health and Genetics/Laboratory Corporation of America, LabCorp
Classification: Uncertain significance. Last evaluated: 2024-07-09. Review status: criteria provided, single submitter. Criteria: LabCorp Variant Classification Summary - May 2015. Collection method: clinical testing. Allele origin: germline.
Comment: Variant summary: SLC25A20 c.110G>C (p.Arg37Pro) results in a non-conservative amino acid change in the encoded protein sequence. Five of five in-silico tools predict a damaging effect of the variant on protein function. The variant was absent in 251478 control chromosomes. c.110G>C has been reported in the literature in at-least one individual affected with Carnitine-Acylcarnitine Translocase Deficiency (example: Ryder_2021). These data indicate that the variant may be associated with disease. To our knowledge, no experimental evidence demonstrating an impact on protein function has been reported. No submitters have cited clinical-significance assessments for this variant to ClinVar. The following publications have been ascertained in the context of this evaluation (PMID: 33634872, 31575911). Based on the evidence outlined above, the variant was classified as VUS-possibly pathogenic.

Literature cited by the submitters: PubMed 33634872.